The following is an entry in ClinVar:

NM_001039958.2(MESP2):c.671C>T (p.Ser224Phe)

Gene: MESP2 (mesoderm posterior bHLH transcription factor 2; plus strand). Cytogenetic location: 15q26.1.
Variant type: single nucleotide variant.
Coding change: c.671C>T on transcript NM_001039958.2 (MANE Select); coding-DNA position 671, C replaced by T.
Protein change: p.Ser224Phe; replaces serine 224 with phenylalanine.
Molecular consequence: missense variant.
Genome position (GRCh38, 1-based): chr15:89,777,028, C>T. VCF-style: chr15-89777028-C-T. GRCh37 (hg19) VCF-style: chr15-90320259-C-T.
Other names: short protein forms S224F.
Identifiers: ClinVar variation 257247 (VCV000257247.21), dbSNP rs71647807, ClinGen allele CA7730480.
Genomic context (GRCh38, chr15:89,777,028, plus strand): 5'-AGGGGCGCAGGCCGGGCCTGGTCTCCGCCGTCCTCGCCGAGGCGTCCTGGGGATCCCCGT[C>T]CGCCTGCCCCGGAGCCCAAGCCGCACCCGAGCGCCTGGGGAGGGGGGTCCACGACACGGA-3'
Protein context (NP_001035047.1, residues 214-234): VLAEASWGSP[Ser224Phe]ACPGAQAAPE

ClinVar aggregate classification (germline): Benign. Review status: criteria provided, multiple submitters, no conflicts (2 of 4 stars). 7 submissions from 7 submitters: Benign (5). 2 of the submissions do not count toward it. Last evaluated 2026-02-02.

Conditions:
Spondylocostal dysostosis 2, autosomal recessive (SCDO2). Also called: MESP2-Related Spondylocostal Dysostosis, Autosomal Recessive; Spondylocostal dysostosis type 2. Identifiers: Orphanet 2311, MedGen C1837549, MONDO:0012097, OMIM 608681.

Allele frequency attached by ClinVar (database versions not stated): gnomAD exomes 0.00220 and 0.00524; ExAC 0.01271; ESP Exome Variant Server 0.02252; 1000 Genomes Project 0.02296; 1000 Genomes Project 30x 0.02405; gnomAD 0.02419 and 0.02596; TOPMed 0.02815.

Submissions (7):

Labcorp Genetics (formerly Invitae), Labcorp
Classification: Benign. Last evaluated: 2026-02-02. Review status: criteria provided, single submitter. Criteria: Invitae Variant Classification Sherloc (09022015). Collection method: clinical testing. Allele origin: germline.

GeneDx
Classification: Benign. Last evaluated: 2021-06-10. Review status: criteria provided, single submitter. Criteria: GeneDx Variant Classification Process June 2021. Collection method: clinical testing. Allele origin: germline. Affected: yes.

Illumina Laboratory Services, Illumina
Classification: Benign for Spondylocostal dysostosis 2, autosomal recessive. Last evaluated: 2018-01-13. Review status: criteria provided, single submitter. Criteria: ICSL Variant Classification Criteria 13 December 2019. Collection method: clinical testing. Allele origin: germline.
Comment: This variant was observed in the ICSL laboratory as part of a predisposition screen in an ostensibly healthy population. It had not been previously curated by ICSL or reported in the Human Gene Mutation Database (HGMD: prior to June 1st, 2018), and was therefore a candidate for classification through an automated scoring system. Utilizing variant allele frequency, disease prevalence and penetrance estimates, and inheritance mode, an automated score was calculated to assess if this variant is too frequent to cause the disease. Based on the score and internal cut-off values, a variant classified as benign is not then subjected to further curation. The score for this variant resulted in a classification of benign for this disease.

Breakthrough Genomics
Classification: Benign. Review status: criteria provided, single submitter. Criteria: ACMG Guidelines, 2015. Collection method: not provided. Allele origin: germline. Inheritance: Autosomal recessive inheritance. Affected: yes.

PreventionGenetics, part of Exact Sciences
Classification: Benign. Review status: criteria provided, single submitter. Criteria: ACMG Guidelines, 2015. Collection method: clinical testing. Allele origin: germline.

Natera, Inc.
Classification: Benign for Spondylocostal dysostosis type 2. Last evaluated: 2019-11-26. Review status: no assertion criteria provided. Collection method: clinical testing. Allele origin: germline. Not counted in ClinVar's aggregate classification.

Counsyl
Classification: Benign for Spondylocostal dysostosis 2, autosomal recessive. Last evaluated: 2018-01-09. Review status: no assertion criteria provided. Collection method: clinical testing. Allele origin: unknown. Not counted in ClinVar's aggregate classification.